The following is an entry in ClinVar:

NM_006545.5(NPRL2):c.585+1G>A

Gene: NPRL2 (NPR2 like, GATOR1 complex subunit; minus strand). Cytogenetic location: 3p21.31.
Variant type: single nucleotide variant.
Coding change: c.585+1G>A on transcript NM_006545.5 (MANE Select); the canonical splice donor site of the intron after coding-DNA position 585, G replaced by A.
Molecular consequence: splice donor variant.
Genome position (GRCh38, 1-based): chr3:50,348,873, C>T on the plus strand (G>A on the coding strand, the complement: NPRL2 is on the minus strand). VCF-style: chr3-50348873-C-T. GRCh37 (hg19) VCF-style: chr3-50386304-C-T.
Identifiers: ClinVar variation 4879401 (VCV004879401.1).
Genomic context (GRCh38, chr3:50,348,873, plus strand): 5'-CAGGATGAGGCCAGGGCTGTGGCCAGCCCCAGGTGATGATACCCAGGGAGGGATGGCATA[C>T]TTGTTGTGTAGTGAGGTCCCACTGTGAGTTGAAGAAATCCTCCTTGTCTTTGGTAAAGAC-3'

ClinVar aggregate classification (germline): Pathogenic (1 of 4 stars; one submission).

Conditions:
Epilepsy, familial focal, with variable foci 2 (FFEVF2). Identifiers: MedGen C4310709, MONDO:0014924, OMIM 617116.

Submission:

Institute of Human Genetics, University of Leipzig Medical Center
Classification: Pathogenic for Epilepsy, familial focal, with variable foci 2. Last evaluated: 2026-07-01. Review status: criteria provided, single submitter. Criteria: ACMG Guidelines, 2015. Collection method: clinical testing. Allele origin: unknown. Inheritance: Autosomal dominant inheritance. Affected: yes.
Comment: Criteria applied: PVS1,PM2